The following is an entry in ClinVar:

NM_005188.4(CBL):c.2401G>T (p.Gly801Cys)

Gene: CBL (Cbl proto-oncogene; plus strand). Cytogenetic location: 11q23.3.
Variant type: single nucleotide variant.
Coding change: c.2401G>T on transcript NM_005188.4 (MANE Select); coding-DNA position 2401, G replaced by T.
Protein change: p.Gly801Cys; replaces glycine 801 with cysteine.
Molecular consequence: missense variant.
Genome position (GRCh38, 1-based): chr11:119,298,507, G>T. VCF-style: chr11-119298507-G-T. GRCh37 (hg19) VCF-style: chr11-119169217-G-T.
Other names: c.2401G>T (NM_005188.2); short protein forms G801C.
Identifiers: ClinVar variation 1504217 (VCV001504217.10), dbSNP rs1465141746, ClinGen allele CA382930161.

ClinVar aggregate classification (germline): Uncertain significance. Review status: criteria provided, multiple submitters, no conflicts (2 of 4 stars). 3 submissions from 3 submitters: Uncertain significance (3). Last evaluated 2025-04-19.

Conditions:
Juvenile myelomonocytic leukemia (JMML). Also called: LEUKEMIA, JUVENILE MYELOMONOCYTIC, SOMATIC. Identifiers: Orphanet 86834, MedGen C0349639, MONDO:0011908, OMIM 607785, HP:0012209.
CBL-related disorder. Also called: NOONAN SYNDROME-LIKE DISORDER WITHOUT JUVENILE MYELOMONOCYTIC LEUKEMIA; CBL MUTATION-ASSOCIATED SYNDROME; CBL SYNDROME. Identifiers: Orphanet 363972, MedGen C3150803, MONDO:0013308, OMIM 613563.
Cardiovascular phenotype. Identifiers: MedGen CN230736.
RASopathy. Also called: Noonan spectrum disorder; rasopathies. Identifiers: Orphanet 536391, MedGen C5555857, MONDO:0021060.

Allele frequency attached by ClinVar (database versions not stated): gnomAD 0.00001; gnomAD exomes 0.00001 and 0.00002.
gnomAD v4.1: 10 of 1,614,076 alleles (0.00062%); highest among the groups gnomAD compares: South Asian, 0.011%; no homozygotes.

Submissions (3):

Ambry Genetics
Classification: Uncertain significance for Cardiovascular phenotype. Last evaluated: 2025-04-19. Review status: criteria provided, single submitter. Criteria: Ambry Variant Classification Scheme 2023. Collection method: clinical testing. Allele origin: germline.
Comment: The p.G801C variant (also known as c.2401G>T), located in coding exon 15 of the CBL gene, results from a G to T substitution at nucleotide position 2401. The glycine at codon 801 is replaced by cysteine, an amino acid with highly dissimilar properties. This amino acid position is conserved. In addition, this alteration is predicted to be tolerated by in silico analysis. Based on the available evidence, the clinical significance of this variant remains unclear.

Fulgent Genetics
Classification: Uncertain significance for Juvenile myelomonocytic leukemia; CBL-related disorder. Last evaluated: 2021-09-13. Review status: criteria provided, single submitter. Criteria: ACMG Guidelines, 2015. Collection method: clinical testing. Allele origin: unknown.

Labcorp Genetics (formerly Invitae), Labcorp
Classification: Uncertain significance for RASopathy. Last evaluated: 2021-05-07. Review status: criteria provided, single submitter. Criteria: Invitae Variant Classification Sherloc (09022015). Collection method: clinical testing. Allele origin: germline.
Comment: In summary, the available evidence is currently insufficient to determine the role of this variant in disease. Therefore, it has been classified as a Variant of Uncertain Significance. Advanced modeling of protein sequence and biophysical properties (such as structural, functional, and spatial information, amino acid conservation, physicochemical variation, residue mobility, and thermodynamic stability) performed at Invitae indicates that this missense variant is not expected to disrupt CBL protein function. This variant has not been reported in the literature in individuals with CBL-related conditions. This variant is not present in population databases (ExAC no frequency). This sequence change replaces glycine with cysteine at codon 801 of the CBL protein (p.Gly801Cys). The glycine residue is weakly conserved and there is a large physicochemical difference between glycine and cysteine.